The following is an entry in ClinVar:

ClinVar aggregate classification (germline): Uncertain significance. Review status: criteria provided, multiple submitters, no conflicts (2 of 4 stars). 3 submissions from 3 submitters: Uncertain significance (3). Last evaluated 2024-05-22.

Conditions:
Hemorrhage, intracerebral, susceptibility to (ICH). Also called: Stroke, hemorrhagic, susceptibility to. Identifiers: MedGen C3281105, MONDO:0100533, OMIM 614519.
Microvascular complications of diabetes, susceptibility to, 3. Identifiers: MedGen C2675470, MONDO:0012963, OMIM 612624.
Renal tubular dysgenesis of genetic origin. Also called: PRIMITIVE RENAL TUBULE SYNDROME. Identifiers: Orphanet 97369, MedGen C5681536, MONDO:0009970, OMIM 267430.
Inborn genetic diseases. Identifiers: MedGen C0950123, MeSH D030342.

Allele frequency attached by ClinVar (database versions not stated): gnomAD 0.00005; TOPMed 0.00006; ExAC 0.00007; ESP Exome Variant Server 0.00008; gnomAD exomes 0.00008; 1000 Genomes Project 0.00020; 1000 Genomes Project 30x 0.00031.
gnomAD v4.1: 122 of 1,614,108 alleles (0.0076%); highest among the groups gnomAD compares: East Asian, 0.013%; no homozygotes.

Submissions (3):

GeneDx
Classification: Uncertain significance. Last evaluated: 2024-05-22. Review status: criteria provided, single submitter. Criteria: GeneDx Variant Classification Process June 2021. Collection method: clinical testing. Allele origin: germline. Affected: yes.
Comment: In silico analysis indicates that this missense variant does not alter protein structure/function; Has not been previously published as pathogenic or benign to our knowledge

Fulgent Genetics
Classification: Uncertain significance for Renal tubular dysgenesis of genetic origin; Microvascular complications of diabetes, susceptibility to, 3; Hemorrhage, intracerebral, susceptibility to. Last evaluated: 2024-05-15. Review status: criteria provided, single submitter. Criteria: ACMG Guidelines, 2015. Collection method: clinical testing. Allele origin: germline.

Ambry Genetics
Classification: Uncertain significance for Inborn genetic diseases. Last evaluated: 2023-05-03. Review status: criteria provided, single submitter. Criteria: Ambry Variant Classification Scheme 2023. Collection method: clinical testing. Allele origin: germline.

NM_000789.4(ACE):c.3497G>A (p.Arg1166His)

Gene: ACE (angiotensin I converting enzyme; plus strand). Cytogenetic location: 17q23.3.
Variant type: single nucleotide variant.
Coding change: c.3497G>A on transcript NM_000789.4 (MANE Select); coding-DNA position 3497, G replaced by A.
Protein change: p.Arg1166His; replaces arginine 1166 with histidine.
Molecular consequence: missense variant. On other transcripts: non-coding transcript variant (1), intron variant (2).
Genome position (GRCh38, 1-based): chr17:63,496,510, G>A. VCF-style: chr17-63496510-G-A. GRCh37 (hg19) VCF-style: chr17-61573871-G-A.
Other names: c.2930G>A, p.Arg977His (NM_001382700.1); c.2645G>A, p.Arg882His (NM_001382701.1); c.1775G>A, p.Arg592His (NM_152830.3); c.1659-288G>A (NM_001178057.2); c.1119-288G>A (NM_001382702.1); short protein forms R882H, R1166H, R592H, R977H.
Identifiers: ClinVar variation 2525095 (VCV002525095.4), dbSNP rs201126192, ClinGen allele CA8700513.